The following is an entry in ClinVar:

NM_001953.5(TYMP):c.403del (p.Ala135fs)

Gene: TYMP (thymidine phosphorylase; minus strand). Cytogenetic location: 22q13.33.
Variant type: Deletion.
Coding change: c.403del on transcript NM_001953.5 (MANE Select); coding-DNA position 403, one base deleted (G; older notation c.403delG).
Protein change: p.Ala135fs; shifts the reading frame from alanine 135.
Molecular consequence: frameshift variant.
Genome position (GRCh38, 1-based): chr22:50,529,150, C deleted on the plus strand (G on the coding strand, the reverse complement: TYMP is on the minus strand); the first of 2 consecutive C bases (chr22:50,529,150-50,529,151); deleting either gives the same sequence. VCF-style (leftmost placement, unchanged base first): chr22-50529149-GC-G. GRCh37 (hg19) VCF-style: chr22-50967578-GC-G.
Other names: c.403del, p.Ala135fs (NM_001113755.3, NM_001113756.3, NM_001257988.1 and 1 more transcripts); c.403del (NM_001953.4); c.403delG (NM_001953.4); short protein forms A135fs.
Identifiers: ClinVar variation 662890 (VCV000662890.7), dbSNP rs1283883810, ClinGen allele CA640357822.

ClinVar aggregate classification (germline): Pathogenic/Likely pathogenic. Review status: criteria provided, multiple submitters, no conflicts (2 of 4 stars). 2 submissions from 2 submitters: Pathogenic (1); Likely pathogenic (1). Last evaluated 2025-10-15.

Conditions:
Mitochondrial neurogastrointestinal encephalomyopathy. Also called: Mitochondrial neurogastrointestinal encephalopathy syndrome; MNGIE syndrome; Thymidine phosphorylase deficiency. Identifiers: Orphanet 298, MedGen C0872218, MONDO:0017575.

Submissions (2):

Natera, Inc.
Classification: Likely pathogenic for Mitochondrial neurogastrointestinal encephalomyopathy. Last evaluated: 2025-10-15. Review status: criteria provided, single submitter. Criteria: Natera Variant Classification Schema (03/2026). Collection method: clinical testing. Allele origin: germline.
Comment: The c.403del variant in TYMP is a frameshift variant predicted to shift the reading frame beginning at codon 135 and leads to a stop codon 8 codons downstream. This variant is expected to result in nonsense mediated decay, truncation, or a dysfunctional protein product. This variant is rare in the general population with a frequency below the threshold expected for the associated phenotype(s). Given the available evidence, this variant is classified as Likely Pathogenic.

Labcorp Genetics (formerly Invitae), Labcorp
Classification: Pathogenic. Last evaluated: 2018-12-14. Review status: criteria provided, single submitter. Criteria: Invitae Variant Classification Sherloc (09022015). Collection method: clinical testing. Allele origin: germline.
Comment: For these reasons, this variant has been classified as Pathogenic. Loss-of-function variants in TYMP are known to be pathogenic (PMID: 9924029, 15781193). This variant has not been reported in the literature in individuals with TYMP-related conditions. This variant is not present in population databases (ExAC no frequency). This sequence change creates a premature translational stop signal (p.Ala135Hisfs*8) in the TYMP gene. It is expected to result in an absent or disrupted protein product.

Literature cited by the submitters: PubMed 9924029 (cited by Labcorp Genetics (formerly Invitae), Labcorp); PubMed 15781193 (cited by Labcorp Genetics (formerly Invitae), Labcorp).